The following is an entry in ClinVar:

ClinVar aggregate classification (germline): Uncertain significance. Review status: criteria provided, multiple submitters, no conflicts (2 of 4 stars). 2 submissions from 2 submitters: Uncertain significance (2). Last evaluated 2025-11-04.

Conditions:
Renal cell carcinoma. Identifiers: Orphanet 217071, MedGen C0007134, MeSH D002292, MONDO:0005086, HP:0005584.
Hereditary cancer-predisposing syndrome. Also called: Hereditary neoplastic syndrome; Neoplastic Syndromes, Hereditary; Hereditary Cancer Syndrome; Tumor predisposition. Identifiers: Orphanet 140162, MedGen C0027672, MeSH D009386, MONDO:0015356.

Submissions (2):

Ambry Genetics
Classification: Uncertain significance for Hereditary cancer-predisposing syndrome. Last evaluated: 2025-11-04. Review status: criteria provided, single submitter. Criteria: Ambry Variant Classification Scheme 2023. Collection method: clinical testing. Allele origin: germline.
Comment: The p.L829M variant (also known as c.2485C>A), located in coding exon 10 of the MET gene, results from a C to A substitution at nucleotide position 2485. The leucine at codon 829 is replaced by methionine, an amino acid with highly similar properties. This amino acid position is conserved. In addition, the in silico prediction for this alteration is inconclusive. Based on the available evidence, the clinical significance of this variant remains unclear.

Labcorp Genetics (formerly Invitae), Labcorp
Classification: Uncertain significance for Renal cell carcinoma. Last evaluated: 2023-11-24. Review status: criteria provided, single submitter. Criteria: Invitae Variant Classification Sherloc (09022015). Collection method: clinical testing. Allele origin: germline.
Comment: This sequence change replaces leucine, which is neutral and non-polar, with methionine, which is neutral and non-polar, at codon 829 of the MET protein (p.Leu829Met). This variant is not present in population databases (gnomAD no frequency). This variant has not been reported in the literature in individuals affected with MET-related conditions. Advanced modeling of protein sequence and biophysical properties (such as structural, functional, and spatial information, amino acid conservation, physicochemical variation, residue mobility, and thermodynamic stability) performed at Invitae indicates that this missense variant is expected to disrupt MET protein function with a positive predictive value of 80%. In summary, the available evidence is currently insufficient to determine the role of this variant in disease. Therefore, it has been classified as a Variant of Uncertain Significance.

NM_000245.4(MET):c.2431C>A (p.Leu811Met)

Gene: MET (MET proto-oncogene, receptor tyrosine kinase; plus strand). Cytogenetic location: 7q31.2.
Variant type: single nucleotide variant.
Coding change: c.2431C>A on transcript NM_000245.4 (MANE Select); coding-DNA position 2431, C replaced by A.
Protein change: p.Leu811Met; replaces leucine 811 with methionine.
Molecular consequence: missense variant.
Genome position (GRCh38, 1-based): chr7:116,763,116, C>A. VCF-style: chr7-116763116-C-A. GRCh37 (hg19) VCF-style: chr7-116403170-C-A.
Other names: c.2485C>A, p.Leu829Met (NM_001127500.3); c.2431C>A, p.Leu811Met (NM_001324401.3); c.1141C>A, p.Leu381Met (NM_001324402.2); short protein forms L829M, L381M, L811M.
Identifiers: ClinVar variation 2799882 (VCV002799882.4), dbSNP rs1584946893, ClinGen allele CA368983158.